The following is an entry in ClinVar:

ClinVar aggregate classification (germline): Uncertain significance (1 of 4 stars; one submission).

Submission:

Labcorp Genetics (formerly Invitae), Labcorp
Classification: Uncertain significance. Last evaluated: 2025-03-03. Review status: criteria provided, single submitter. Criteria: Invitae Variant Classification Sherloc (09022015). Collection method: clinical testing. Allele origin: germline.
Comment: This sequence change replaces valine, which is neutral and non-polar, with alanine, which is neutral and non-polar, at codon 400 of the MSH3 protein (p.Val400Ala). This variant is not present in population databases (gnomAD no frequency). This variant has not been reported in the literature in individuals affected with MSH3-related conditions. An algorithm developed to predict the effect of missense changes on protein structure and function (PolyPhen-2) suggests that this variant is likely to be disruptive. In summary, the available evidence is currently insufficient to determine the role of this variant in disease. Therefore, it has been classified as a Variant of Uncertain Significance.

NM_002439.5(MSH3):c.1199T>C (p.Val400Ala)

Gene: MSH3 (mutS homolog 3; plus strand). Cytogenetic location: 5q14.1.
Variant type: single nucleotide variant.
Coding change: c.1199T>C on transcript NM_002439.5 (MANE Select); coding-DNA position 1199, T replaced by C.
Protein change: p.Val400Ala; replaces valine 400 with alanine.
Molecular consequence: missense variant.
Genome position (GRCh38, 1-based): chr5:80,678,952, T>C. VCF-style: chr5-80678952-T-C. GRCh37 (hg19) VCF-style: chr5-79974771-T-C.
Other names: short protein forms V400A.
Identifiers: ClinVar variation 4703696 (VCV004703696.1).